The following is an entry in ClinVar:

NM_001379451.1(BCORL1):c.3515A>C (p.Glu1172Ala)

Gene: BCORL1 (BCL6 corepressor like 1; plus strand). Cytogenetic location: Xq26.1.
Variant type: single nucleotide variant.
Coding change: c.3515A>C on transcript NM_001379451.1 (MANE Select); coding-DNA position 3515, A replaced by C.
Protein change: p.Glu1172Ala; replaces glutamic acid 1172 with alanine.
Molecular consequence: missense variant.
Genome position (GRCh38, 1-based): chrX:130,021,058, A>C. VCF-style: chrX-130021058-A-C. GRCh37 (hg19) VCF-style: chrX-129155033-A-C.
Other names: c.3515A>C, p.Glu1172Ala (NM_001184772.3, NM_001379450.1, NM_021946.5); short protein forms E1172A.
Identifiers: ClinVar variation 3349737 (VCV003349737.1).

ClinVar aggregate classification (germline): Uncertain significance (0 of 4 stars; one submission).

Conditions:
BCORL1-related disorder. Also called: BCORL1-related condition.

Submission:

PreventionGenetics, part of Exact Sciences
Classification: Uncertain significance for BCORL1-related condition. Last evaluated: 2024-03-18. Review status: no assertion criteria provided. Collection method: clinical testing. Allele origin: germline.
Comment: The BCORL1 c.3515A>C variant is predicted to result in the amino acid substitution p.Glu1172Ala. To our knowledge, this variant has not been reported in the literature or in a large population database, indicating this variant is rare. At this time, the clinical significance of this variant is uncertain due to the absence of conclusive functional and genetic evidence.